The following is an entry in ClinVar:

ClinVar aggregate classification (germline): Benign/Likely benign. Review status: criteria provided, multiple submitters, no conflicts (2 of 4 stars). 4 submissions from 4 submitters: Benign (1); Likely benign (2). 1 of the submissions does not count toward it. Last evaluated 2026-03-01.

Conditions:
PTPN23-related disorder. Also called: PTPN23-related condition.

Allele frequency attached by ClinVar (database versions not stated): gnomAD exomes 0.00016 and 0.00036; ExAC 0.00046; ESP Exome Variant Server 0.00131; gnomAD 0.00133 and 0.00145; TOPMed 0.00147; 1000 Genomes Project 30x 0.00234; 1000 Genomes Project 0.00240.
gnomAD v4.1: 441 of 1,614,010 alleles (0.027%); highest among the groups gnomAD compares: African/African-American, 0.49%; no homozygotes.

Submissions (4):

CeGaT Center for Human Genetics Tuebingen
Classification: Likely benign. Last evaluated: 2026-03-01. Review status: criteria provided, single submitter. Criteria: CeGaT Center For Human Genetics Tuebingen Variant Classification Criteria Version 2. Collection method: clinical testing. Allele origin: germline. Affected: yes. Observed: 1 variant allele.
Comment: PTPN23: BP4, BS2

Labcorp Genetics (formerly Invitae), Labcorp
Classification: Benign. Last evaluated: 2026-02-03. Review status: criteria provided, single submitter. Criteria: Invitae Variant Classification Sherloc (09022015). Collection method: clinical testing. Allele origin: germline.

Blueprint Genetics
Classification: Likely benign. Last evaluated: 2024-11-15. Review status: criteria provided, single submitter. Criteria: ACMG Guidelines, 2015. Collection method: clinical testing. Allele origin: germline.

PreventionGenetics, part of Exact Sciences
Classification: Likely benign for PTPN23-related condition. Last evaluated: 2019-04-10. Review status: no assertion criteria provided. Collection method: clinical testing. Allele origin: germline. Not counted in ClinVar's aggregate classification.
Comment: This variant is classified as likely benign based on ACMG/AMP sequence variant interpretation guidelines (Richards et al. 2015 PMID: 25741868, with internal and published modifications).

NM_015466.4(PTPN23):c.693C>T (p.Gly231=)

Gene: PTPN23 (protein tyrosine phosphatase non-receptor type 23; plus strand). Cytogenetic location: 3p21.31.
Variant type: single nucleotide variant.
Coding change: c.693C>T on transcript NM_015466.4 (MANE Select); coding-DNA position 693, C replaced by T.
Protein change: p.Gly231=; no amino-acid change (glycine 231 retained).
Molecular consequence: synonymous variant.
Genome position (GRCh38, 1-based): chr3:47,406,546, C>T. VCF-style: chr3-47406546-C-T. GRCh37 (hg19) VCF-style: chr3-47448036-C-T.
Other names: c.315C>T, p.Gly105= (NM_001304482.2); c.693C>T (NM_015466.3).
Identifiers: ClinVar variation 1653798 (VCV001653798.15), dbSNP rs145933393, ClinGen allele CA2365428.